The following is an entry in ClinVar:

ClinVar aggregate classification (germline): Uncertain significance. Review status: criteria provided, multiple submitters, no conflicts (2 of 4 stars). 2 submissions from 2 submitters: Uncertain significance (2). Last evaluated 2022-06-22.

Conditions:
Cardiovascular phenotype. Identifiers: MedGen CN230736.
RASopathy. Also called: rasopathies; Noonan spectrum disorder. Identifiers: Orphanet 536391, MedGen C5555857, MONDO:0021060.

Submissions (2):

Ambry Genetics
Classification: Uncertain significance for Cardiovascular phenotype. Last evaluated: 2022-06-22. Review status: criteria provided, single submitter. Criteria: Ambry Variant Classification Scheme 2023. Collection method: clinical testing. Allele origin: germline.
Comment: The p.I36T variant (also known as c.107T>C), located in coding exon 1 of the NRAS gene, results from a T to C substitution at nucleotide position 107. The isoleucine at codon 36 is replaced by threonine, an amino acid with similar properties. This amino acid position is conserved. In addition, this alteration is predicted to be deleterious by in silico analysis. Since supporting evidence is limited at this time, the clinical significance of this alteration remains unclear.

Labcorp Genetics (formerly Invitae), Labcorp
Classification: Uncertain significance for RASopathy. Last evaluated: 2022-04-19. Review status: criteria provided, single submitter. Criteria: Invitae Variant Classification Sherloc (09022015). Collection method: clinical testing. Allele origin: germline.
Comment: This sequence change replaces isoleucine, which is neutral and non-polar, with threonine, which is neutral and polar, at codon 36 of the NRAS protein (p.Ile36Thr). This variant is not present in population databases (gnomAD no frequency). In summary, the available evidence is currently insufficient to determine the role of this variant in disease. Therefore, it has been classified as a Variant of Uncertain Significance. Advanced modeling of protein sequence and biophysical properties (such as structural, functional, and spatial information, amino acid conservation, physicochemical variation, residue mobility, and thermodynamic stability) performed at Invitae indicates that this missense variant is expected to disrupt NRAS protein function. This variant has not been reported in the literature in individuals affected with NRAS-related conditions.

NM_002524.5(NRAS):c.107T>C (p.Ile36Thr)

Gene: NRAS (NRAS proto-oncogene, GTPase; minus strand). Cytogenetic location: 1p13.2.
Variant type: single nucleotide variant.
Coding change: c.107T>C on transcript NM_002524.5 (MANE Select); coding-DNA position 107, T replaced by C.
Protein change: p.Ile36Thr; replaces isoleucine 36 with threonine.
Molecular consequence: missense variant.
Genome position (GRCh38, 1-based): chr1:114,716,054, A>G on the plus strand (T>C on the coding strand, the complement: NRAS is on the minus strand). VCF-style: chr1-114716054-A-G. GRCh37 (hg19) VCF-style: chr1-115258675-A-G.
Other names: short protein forms I36T.
Identifiers: ClinVar variation 1786150 (VCV001786150.7), dbSNP rs2101743995, ClinGen allele CA341742127.